The following is an entry in ClinVar:

NM_000156.6(GAMT):c.200T>A (p.Val67Glu)

Gene: GAMT (guanidinoacetate N-methyltransferase; minus strand). Cytogenetic location: 19p13.3.
Variant type: single nucleotide variant.
Coding change: c.200T>A on transcript NM_000156.6 (MANE Select); coding-DNA position 200, T replaced by A.
Protein change: p.Val67Glu; replaces valine 67 with glutamic acid.
Molecular consequence: missense variant.
Genome position (GRCh38, 1-based): chr19:1,399,920, A>T on the plus strand (T>A on the coding strand, the complement: GAMT is on the minus strand). VCF-style: chr19-1399920-A-T. GRCh37 (hg19) VCF-style: chr19-1399919-A-T.
Other names: c.200T>A, p.Val67Glu (NM_138924.3); short protein forms V67E.
Identifiers: ClinVar variation 1395348 (VCV001395348.6), dbSNP rs2082624036, ClinGen allele CA402997217.

ClinVar aggregate classification (germline): Uncertain significance (1 of 4 stars; one submission).

Conditions:
Cerebral creatine deficiency syndrome. Also called: Creatine deficiency syndromes. Identifiers: Orphanet 79172, MedGen C5244016, MONDO:0000456.

Submission:

Labcorp Genetics (formerly Invitae), Labcorp
Classification: Uncertain significance for Cerebral creatine deficiency syndrome. Last evaluated: 2021-11-27. Review status: criteria provided, single submitter. Criteria: Invitae Variant Classification Sherloc (09022015). Collection method: clinical testing. Allele origin: germline.
Comment: In summary, the available evidence is currently insufficient to determine the role of this variant in disease. Therefore, it has been classified as a Variant of Uncertain Significance. Algorithms developed to predict the effect of missense changes on protein structure and function are either unavailable or do not agree on the potential impact of this missense change (SIFT: "Deleterious"; PolyPhen-2: "Probably Damaging"; Align-GVGD: "Class C0"). This variant has not been reported in the literature in individuals affected with GAMT-related conditions. This variant is not present in population databases (gnomAD no frequency). This sequence change replaces valine, which is neutral and non-polar, with glutamic acid, which is acidic and polar, at codon 67 of the GAMT protein (p.Val67Glu).